The following is an entry in ClinVar:

ClinVar aggregate classification (germline): Benign. Review status: criteria provided, multiple submitters, no conflicts (2 of 4 stars). 2 submissions from 2 submitters: Benign (2). Last evaluated 2018-01-12.

Conditions:
Hennekam lymphangiectasia-lymphedema syndrome 1 (HKLLS1). Also called: LYMPHATIC DYSPLASIA, GENERALIZED. Identifiers: Orphanet 2136, MedGen C4012050, MONDO:0009337, OMIM 235510.

Allele frequency attached by ClinVar (database versions not stated): TOPMed 0.52162; gnomAD 0.52467 and 0.52755; 1000 Genomes Project 30x 0.53592; 1000 Genomes Project 0.54054; gnomAD exomes 0.75000.
gnomAD v4.1: 80,151 of 151,646 alleles (53%); highest among the groups gnomAD compares: East Asian, 70%; 21,432 homozygotes.

Submissions (2):

Illumina Laboratory Services, Illumina
Classification: Benign for Hennekam lymphangiectasia-lymphedema syndrome 1. Last evaluated: 2018-01-12. Review status: criteria provided, single submitter. Criteria: ICSL Variant Classification Criteria 13 December 2019. Collection method: clinical testing. Allele origin: germline.
Comment: This variant was observed in the ICSL laboratory as part of a predisposition screen in an ostensibly healthy population. It had not been previously curated by ICSL or reported in the Human Gene Mutation Database (HGMD: prior to June 1st, 2018), and was therefore a candidate for classification through an automated scoring system. Utilizing variant allele frequency, disease prevalence and penetrance estimates, and inheritance mode, an automated score was calculated to assess if this variant is too frequent to cause the disease. Based on the score and internal cut-off values, a variant classified as benign is not then subjected to further curation. The score for this variant resulted in a classification of benign for this disease.

Breakthrough Genomics
Classification: Benign. Review status: criteria provided, single submitter. Criteria: ACMG Guidelines, 2015. Collection method: not provided. Allele origin: germline. Inheritance: Autosomal recessive inheritance. Affected: yes.

NM_133459.4(CCBE1):c.*2361G>A

Gene: CCBE1 (collagen and calcium binding EGF domains 1; minus strand). Cytogenetic location: 18q21.32.
Variant type: single nucleotide variant.
Coding change: c.*2361G>A on transcript NM_133459.4 (MANE Select); 2361 bases downstream of the stop codon, G replaced by A.
Molecular consequence: 3 prime UTR variant.
Genome position (GRCh38, 1-based): chr18:59,433,547, C>T on the plus strand (G>A on the coding strand, the complement: CCBE1 is on the minus strand). VCF-style: chr18-59433547-C-T. GRCh37 (hg19) VCF-style: chr18-57100779-C-T.
Other names: c.*2361G>A (LRG_1209t1).
Identifiers: ClinVar variation 327640 (VCV000327640.6), dbSNP rs9959752, ClinGen allele CA10651269.